The following is an entry in ClinVar:

NM_004656.4(BAP1):c.775C>T (p.Leu259=)

Gene: BAP1 (BRCA1 associated deubiquitinase 1; minus strand). Cytogenetic location: 3p21.1.
Variant type: single nucleotide variant.
Coding change: c.775C>T on transcript NM_004656.4 (MANE Select); coding-DNA position 775, C replaced by T.
Protein change: p.Leu259=; no amino-acid change (leucine 259 retained).
Molecular consequence: synonymous variant.
Genome position (GRCh38, 1-based): chr3:52,406,261, G>A on the plus strand (C>T on the coding strand, the complement: BAP1 is on the minus strand). VCF-style: chr3-52406261-G-A. GRCh37 (hg19) VCF-style: chr3-52440277-G-A.
Other names: c.721C>T, p.Leu241= (NM_001410772.1).
Identifiers: ClinVar variation 2978147 (VCV002978147.5), dbSNP rs1559589659, ClinGen allele CA433776097.

ClinVar aggregate classification (germline): Benign/Likely benign. Review status: criteria provided, multiple submitters, no conflicts (2 of 4 stars). 3 submissions from 3 submitters: Benign (1); Likely benign (2). Last evaluated 2024-07-31.

Conditions:
Hereditary cancer-predisposing syndrome. Also called: Neoplastic Syndromes, Hereditary; Hereditary neoplastic syndrome; Hereditary Cancer Syndrome; Tumor predisposition. Identifiers: Orphanet 140162, MedGen C0027672, MeSH D009386, MONDO:0015356.
BAP1-related tumor predisposition syndrome (TPDS1). Also called: BAP1 tumor predisposition syndrome; COMMON Syndrome; TUMOR PREDISPOSITION SYNDROME 1; Tumor susceptibility linked to germline BAP1 mutations. Identifiers: Orphanet 289539, MedGen C3280492, MONDO:0013692, OMIM 614327.

Submissions (3):

Ambry Genetics
Classification: Likely benign for Hereditary cancer-predisposing syndrome. Last evaluated: 2024-07-31. Review status: criteria provided, single submitter. Criteria: Ambry Variant Classification Scheme 2023. Collection method: clinical testing. Allele origin: germline.

Myriad Genetics, Inc.
Classification: Benign for BAP1-related tumor predisposition syndrome. Last evaluated: 2024-07-15. Review status: criteria provided, single submitter. Criteria: Myriad Autosomal Dominant, Autosomal Recessive and X-Linked Classification Criteria (2023). Collection method: clinical testing. Allele origin: unknown.
Comment: This variant is considered benign. This variant is a silent/synonymous amino acid change and it is not expected to impact splicing.

Labcorp Genetics (formerly Invitae), Labcorp
Classification: Likely benign for BAP1-related tumor predisposition syndrome. Last evaluated: 2024-04-16. Review status: criteria provided, single submitter. Criteria: Invitae Variant Classification Sherloc (09022015). Collection method: clinical testing. Allele origin: germline.